The following is an entry in ClinVar:

ClinVar aggregate classification (germline): Likely benign (0 of 4 stars; one submission).

Conditions:
IRAK3-related disorder. Also called: IRAK3-related condition.

Allele frequency attached by ClinVar (database versions not stated): ESP Exome Variant Server 0.00023; TOPMed 0.00035; gnomAD 0.00048; gnomAD exomes 0.00060; 1000 Genomes Project 0.00100; 1000 Genomes Project 30x 0.00109.
gnomAD v4.1: 952 of 1,614,162 alleles (0.059%); highest among the groups gnomAD compares: South Asian, 0.53%; 6 homozygotes.

Submission:

PreventionGenetics, part of Exact Sciences
Classification: Likely benign for IRAK3-related condition. Last evaluated: 2019-05-30. Review status: no assertion criteria provided. Collection method: clinical testing. Allele origin: germline.
Comment: This variant is classified as likely benign based on ACMG/AMP sequence variant interpretation guidelines (Richards et al. 2015 PMID: 25741868, with internal and published modifications).

NM_007199.3(IRAK3):c.1198C>G (p.Leu400Val)

Gene: IRAK3 (interleukin 1 receptor associated kinase 3; plus strand). Cytogenetic location: 12q14.3.
Variant type: single nucleotide variant.
Coding change: c.1198C>G on transcript NM_007199.3 (MANE Select); coding-DNA position 1198, C replaced by G.
Protein change: p.Leu400Val; replaces leucine 400 with valine.
Molecular consequence: missense variant.
Genome position (GRCh38, 1-based): chr12:66,245,146, C>G. VCF-style: chr12-66245146-C-G. GRCh37 (hg19) VCF-style: chr12-66638926-C-G.
Other names: c.1015C>G, p.Leu339Val (NM_001142523.2); short protein forms L339V, L400V.
Identifiers: ClinVar variation 3043733 (VCV003043733.2), dbSNP rs146120640, ClinGen allele CA6672902.